The following is an entry in ClinVar:

NM_003482.4(KMT2D):c.9120C>G (p.Asp3040Glu)

Gene: KMT2D (lysine methyltransferase 2D; minus strand). Cytogenetic location: 12q13.12.
Variant type: single nucleotide variant.
Coding change: c.9120C>G on transcript NM_003482.4 (MANE Select); coding-DNA position 9120, C replaced by G.
Protein change: p.Asp3040Glu; replaces aspartic acid 3040 with glutamic acid.
Molecular consequence: missense variant.
Genome position (GRCh38, 1-based): chr12:49,038,236, G>C on the plus strand (C>G on the coding strand, the complement: KMT2D is on the minus strand). VCF-style: chr12-49038236-G-C. GRCh37 (hg19) VCF-style: chr12-49432019-G-C.
Other names: short protein forms D3040E.
Identifiers: ClinVar variation 2635094 (VCV002635094.1), dbSNP rs2120492710, ClinGen allele CA384739637.

ClinVar aggregate classification (germline): Uncertain significance (1 of 4 stars; one submission).

Conditions:
KMT2D-related disorder. Also called: KMT2D-Related Disorders.

Submission:

PreventionGenetics, part of Exact Sciences
Classification: Uncertain significance for KMT2D-related condition. Last evaluated: 2022-11-29. Review status: criteria provided, single submitter. Criteria: ACMG Guidelines, 2015. Collection method: clinical testing. Allele origin: germline.
Comment: The KMT2D c.9120C>G variant is predicted to result in the amino acid substitution p.Asp3040Glu. To our knowledge, this variant has not been reported in the literature or in a large population database, indicating this variant is rare. At this time, the clinical significance of this variant is uncertain due to the absence of conclusive functional and genetic evidence.